The following is an entry in ClinVar:

NM_006014.5(LAGE3):c.175C>T (p.Arg59Trp)

Genes: LAGE3 (L antigen family member 3; minus strand), LOC130068876 (ATAC-STARR-seq lymphoblastoid silent region 21109; plus strand). Cytogenetic location: Xq28.
Variant type: single nucleotide variant.
Coding change: c.175C>T on transcript NM_006014.5 (MANE Select); coding-DNA position 175, C replaced by T.
Protein change: p.Arg59Trp; replaces arginine 59 with tryptophan.
Molecular consequence: missense variant.
Genome position (GRCh38, 1-based): chrX:154,478,741, G>A on the plus strand (C>T on the coding strand, the complement: LAGE3 is on the minus strand). VCF-style: chrX-154478741-G-A. GRCh37 (hg19) VCF-style: chrX-153707080-G-A.
Other names: short protein forms R59W.
Identifiers: ClinVar variation 1897349 (VCV001897349.5), dbSNP rs782330486, ClinGen allele CA10565265.

ClinVar aggregate classification (germline): Uncertain significance (1 of 4 stars; one submission).

Submission:

Labcorp Genetics (formerly Invitae), Labcorp
Classification: Uncertain significance. Last evaluated: 2022-08-11. Review status: criteria provided, single submitter. Criteria: Invitae Variant Classification Sherloc (09022015). Collection method: clinical testing. Allele origin: germline.
Comment: This variant is not present in population databases (gnomAD no frequency). This sequence change replaces arginine, which is basic and polar, with tryptophan, which is neutral and slightly polar, at codon 59 of the LAGE3 protein (p.Arg59Trp). This variant has not been reported in the literature in individuals affected with LAGE3-related conditions. Algorithms developed to predict the effect of missense changes on protein structure and function are either unavailable or do not agree on the potential impact of this missense change (SIFT: "Deleterious"; PolyPhen-2: "Possibly Damaging"; Align-GVGD: "Class C0"). In summary, the available evidence is currently insufficient to determine the role of this variant in disease. Therefore, it has been classified as a Variant of Uncertain Significance.